The following is an entry in ClinVar:

NM_005097.4(LGI1):c.1336A>G (p.Ile446Val)

Gene: LGI1 (leucine rich glioma inactivated 1; plus strand). Cytogenetic location: 10q23.33.
Variant type: single nucleotide variant.
Coding change: c.1336A>G on transcript NM_005097.4 (MANE Select); coding-DNA position 1336, A replaced by G.
Protein change: p.Ile446Val; replaces isoleucine 446 with valine.
Molecular consequence: missense variant. On other transcripts: non-coding transcript variant (1), intron variant (1).
Genome position (GRCh38, 1-based): chr10:93,797,465, A>G. VCF-style: chr10-93797465-A-G. GRCh37 (hg19) VCF-style: chr10-95557222-A-G.
Other names: c.1192A>G, p.Ile398Val (NM_001308276.2); c.839-284A>G (NM_001308275.2); short protein forms I398V, I446V.
Identifiers: ClinVar variation 2579986 (VCV002579986.4), dbSNP rs769204967, ClinGen allele CA211585755.

ClinVar aggregate classification (germline): Uncertain significance. Review status: criteria provided, multiple submitters, no conflicts (2 of 4 stars). 2 submissions from 2 submitters: Uncertain significance (2). Last evaluated 2023-09-12.

Conditions:
Autosomal dominant epilepsy with auditory features. Identifiers: Orphanet 101046, MedGen C1838062, MONDO:0010898.

gnomAD v4.1: 2 of 1,614,094 alleles (0.00012%); highest among the groups gnomAD compares: African/African-American, 0.0027%; no homozygotes.

Submissions (2):

GeneDx
Classification: Uncertain significance. Last evaluated: 2023-09-12. Review status: criteria provided, single submitter. Criteria: GeneDx Variant Classification Process June 2021. Collection method: clinical testing. Allele origin: germline. Affected: yes.
Comment: Not observed at significant frequency in large population cohorts (gnomAD); In silico analysis supports that this missense variant does not alter protein structure/function; Has not been previously published as pathogenic or benign to our knowledge

Labcorp Genetics (formerly Invitae), Labcorp
Classification: Uncertain significance for Autosomal dominant epilepsy with auditory features. Last evaluated: 2023-01-25. Review status: criteria provided, single submitter. Criteria: Invitae Variant Classification Sherloc (09022015). Collection method: clinical testing. Allele origin: germline.
Comment: This sequence change replaces isoleucine, which is neutral and non-polar, with valine, which is neutral and non-polar, at codon 446 of the LGI1 protein (p.Ile446Val). In summary, the available evidence is currently insufficient to determine the role of this variant in disease. Therefore, it has been classified as a Variant of Uncertain Significance. Advanced modeling of protein sequence and biophysical properties (such as structural, functional, and spatial information, amino acid conservation, physicochemical variation, residue mobility, and thermodynamic stability) performed at Invitae indicates that this missense variant is not expected to disrupt LGI1 protein function. This variant has not been reported in the literature in individuals affected with LGI1-related conditions. This variant is present in population databases (no rsID available, gnomAD 0.007%).